The following is an entry in ClinVar:

ClinVar aggregate classification (germline): Uncertain significance (1 of 4 stars; one submission).

Conditions:
Leigh syndrome (NULS). Also called: Leigh's necrotizing encephalopathy; Leigh's disease; Leigh's syndrome; LEIGH SYNDROME, NUCLEAR; Leigh Syndrome (mtDNA deletion); Leigh Disease. Identifiers: Orphanet 506, MedGen C2931891, MONDO:0009723, OMIM 256000.

Submission:

Wong Mito Lab, Molecular and Human Genetics, Baylor College of Medicine
Classification: Uncertain significance for Leigh syndrome. Last evaluated: 2019-10-17. Review status: criteria provided, single submitter. Criteria: Modified ACMG Guidelines (Unpublished). Collection method: clinical testing. Allele origin: germline.
Comment: The NC_012920.1:m.15138A>G (YP_003024038.1:p.Tyr131Cys) variant in MTCYB gene is interpretated to be a Uncertain Significance variant based on the modified ACMG guidelines (unpublished). This variant meets the following evidence codes: PP6

NC_012920.1(MT-CYB):m.15138A>G

Gene: MT-CYB (mitochondrially encoded cytochrome b; plus strand).
Variant type: single nucleotide variant.
Genome position: chrM-15138-A-G.
Identifiers: ClinVar variation 693831 (VCV000693831.1), dbSNP rs1603225106, ClinGen allele CA913173047.